The following is an entry in ClinVar:

ClinVar aggregate classification (germline): Likely benign (1 of 4 stars; one submission).

Allele frequency attached by ClinVar (database versions not stated): ExAC 0.00001; gnomAD 0.00005; TOPMed 0.00005; ESP Exome Variant Server 0.00015.
gnomAD v4.1: 26 of 1,613,378 alleles (0.0016%); highest among the groups gnomAD compares: Admixed American, 0.0033%; no homozygotes.

Submission:

CeGaT Center for Human Genetics Tuebingen
Classification: Likely benign. Last evaluated: 2023-03-01. Review status: criteria provided, single submitter. Criteria: CeGaT Center For Human Genetics Tuebingen Variant Classification Criteria Version 2. Collection method: clinical testing. Allele origin: germline. Affected: yes. Observed: 1 variant allele.
Comment: FDFT1: BP4, BP7

NM_004462.5(FDFT1):c.852T>C (p.Ser284=)

Gene: FDFT1 (farnesyl-diphosphate farnesyltransferase 1). Cytogenetic location: 8p23.1.
Variant type: single nucleotide variant.
Coding change: c.852T>C on transcript NM_004462.5 (MANE Select); coding-DNA position 852, T replaced by C.
Protein change: p.Ser284=; no amino-acid change (serine 284 retained).
Molecular consequence: synonymous variant.
Genome position (GRCh38, 1-based): chr8:11,830,393, T>C. VCF-style: chr8-11830393-T-C. GRCh37 (hg19) VCF-style: chr8-11687902-T-C.
Other names: c.852T>C, p.Ser284= (NM_001287742.2, NM_001287743.2); c.660T>C, p.Ser220= (NM_001287744.2, NM_001287745.2, NM_001287747.2 and 2 more transcripts); c.1029T>C, p.Ser343= (NM_001287750.2); c.597T>C, p.Ser199= (NM_001287751.2); c.351T>C, p.Ser117= (NM_001287756.2).
Identifiers: ClinVar variation 2499069 (VCV002499069.28), dbSNP rs367718004, ClinGen allele CA4632019.